The following is an entry in ClinVar:

NM_005159.5(ACTC1):c.671A>G (p.Asp224Gly)

Genes: ACTC1 (actin alpha cardiac muscle 1; minus strand), GJD2-DT (GJD2 divergent transcript; plus strand). Cytogenetic location: 15q14.
Variant type: single nucleotide variant.
Coding change: c.671A>G on transcript NM_005159.5 (MANE Select); coding-DNA position 671, A replaced by G.
Protein change: p.Asp224Gly; replaces aspartic acid 224 with glycine.
Molecular consequence: missense variant.
Genome position (GRCh38, 1-based): chr15:34,792,227, T>C on the plus strand (A>G on the coding strand, the complement: ACTC1 is on the minus strand). VCF-style: chr15-34792227-T-C. GRCh37 (hg19) VCF-style: chr15-35084428-T-C.
Other names: c.671A>G, p.Asp224Gly (NM_001406482.1, NM_001406483.1); c.536A>G, p.Asp179Gly (NM_001406484.1); c.230A>G, p.Asp77Gly (NM_001406485.1); short protein forms D77G, D179G, D224G.
Identifiers: ClinVar variation 2005619 (VCV002005619.5), dbSNP rs2504180256, ClinGen allele CA391630628.
Genomic context (GRCh38, chr15:34,792,227, plus strand): 5'-AGTTCATAGCTCTTCTCCAGGGAGGAGGAAGAGGCAGCTGTGGCCATCTCATTCTCAAAA[T>C]CCAGGGCGACATAGCACAGCTTCTCTTTAATGTCACGGACAATTTCACGTTCAGCTACAG-3'
Protein context (NP_005150.1, residues 214-234): IKEKLCYVAL[Asp224Gly]FENEMATAAS

ClinVar aggregate classification (germline): Uncertain significance. Review status: criteria provided, multiple submitters, no conflicts (2 of 4 stars). 2 submissions from 2 submitters: Uncertain significance (2). Last evaluated 2025-11-15.

Conditions:
Hypertrophic cardiomyopathy 11. Also called: ACTC1-Related Familial Hypertrophic Cardiomyopathy. Identifiers: MedGen C2677506, MONDO:0012799, OMIM 612098.
Dilated cardiomyopathy 1R (CMD1R). Identifiers: Orphanet 154, Orphanet 54260, MedGen C3150681, MONDO:0013261, OMIM 613424.
Atrial septal defect 5 (ASD5). Identifiers: Orphanet 1478, MedGen C2748552, MONDO:0013011, OMIM 612794.
Cardiovascular phenotype. Identifiers: MedGen CN230736.

Submissions (2):

Ambry Genetics
Classification: Uncertain significance for Cardiovascular phenotype. Last evaluated: 2025-11-15. Review status: criteria provided, single submitter. Criteria: Ambry Variant Classification Scheme 2023. Collection method: clinical testing. Allele origin: germline.
Comment: The p.D224G variant (also known as c.671A>G), located in coding exon 4 of the ACTC1 gene, results from an A to G substitution at nucleotide position 671. The aspartic acid at codon 224 is replaced by glycine, an amino acid with similar properties. This amino acid position is conserved. In addition, this alteration is predicted to be deleterious by in silico analysis. Based on the available evidence, the clinical significance of this variant remains unclear.

Labcorp Genetics (formerly Invitae), Labcorp
Classification: Uncertain significance for Dilated cardiomyopathy 1R; Hypertrophic cardiomyopathy 11; Atrial septal defect 5. Last evaluated: 2022-11-15. Review status: criteria provided, single submitter. Criteria: Invitae Variant Classification Sherloc (09022015). Collection method: clinical testing. Allele origin: germline.
Comment: Algorithms developed to predict the effect of missense changes on protein structure and function (SIFT, PolyPhen-2, Align-GVGD) all suggest that this variant is likely to be disruptive. In summary, the available evidence is currently insufficient to determine the role of this variant in disease. Therefore, it has been classified as a Variant of Uncertain Significance. This variant has not been reported in the literature in individuals affected with ACTC1-related conditions. This variant is not present in population databases (gnomAD no frequency). This sequence change replaces aspartic acid, which is acidic and polar, with glycine, which is neutral and non-polar, at codon 224 of the ACTC1 protein (p.Asp224Gly).